The following is an entry in ClinVar:

ClinVar aggregate classification (germline): Likely benign. Review status: criteria provided, multiple submitters, no conflicts (2 of 4 stars). 3 submissions from 3 submitters: Likely benign (2). 1 of the submissions does not count toward it. Last evaluated 2025-10-09.

Conditions:
FAN1-related disorder. Also called: FAN1-related condition.

Allele frequency attached by ClinVar (database versions not stated): ESP Exome Variant Server 0.00023; TOPMed 0.00023; ExAC 0.00024; gnomAD 0.00030.

Submissions (3):

Labcorp Genetics (formerly Invitae), Labcorp
Classification: Likely benign. Last evaluated: 2025-10-09. Review status: criteria provided, single submitter. Criteria: Invitae Variant Classification Sherloc (09022015). Collection method: clinical testing. Allele origin: germline.

Blueprint Genetics
Classification: Likely benign. Last evaluated: 2024-11-20. Review status: criteria provided, single submitter. Criteria: ACMG Guidelines, 2015. Collection method: clinical testing. Allele origin: germline.

PreventionGenetics, part of Exact Sciences
Classification: Likely benign for FAN1-related condition. Last evaluated: 2023-12-29. Review status: no assertion criteria provided. Collection method: clinical testing. Allele origin: germline. Not counted in ClinVar's aggregate classification.
Comment: This variant is classified as likely benign based on ACMG/AMP sequence variant interpretation guidelines (Richards et al. 2015 PMID: 25741868, with internal and published modifications).

NM_014967.5(FAN1):c.783G>A (p.Ala261=)

Gene: FAN1 (FANCD2 and FANCI associated nuclease 1; plus strand). Cytogenetic location: 15q13.3.
Variant type: single nucleotide variant.
Coding change: c.783G>A on transcript NM_014967.5 (MANE Select); coding-DNA position 783, G replaced by A.
Protein change: p.Ala261=; no amino-acid change (alanine 261 retained).
Molecular consequence: synonymous variant.
Genome position (GRCh38, 1-based): chr15:30,905,446, G>A. VCF-style: chr15-30905446-G-A. GRCh37 (hg19) VCF-style: chr15-31197649-G-A.
Other names: c.783G>A, p.Ala261= (NM_001146094.2, NM_001146095.1, NM_001146096.2).
Identifiers: ClinVar variation 713006 (VCV000713006.10), dbSNP rs142437586, ClinGen allele CA7450130.
Genomic context (GRCh38, chr15:30,905,446, plus strand): 5'-CCAAAAGGCTACCCGGGAATGTGAGAAATCAGCCCTCACCCCTGGATTCTCAGATAATGC[G>A]ATCATGTTATTCTCACCAGATTTCACTCTTAGGAATACATTAAAGTCTACTTCAGAAGAC-3'
Protein context (NP_055782.3, residues 251-271): SALTPGFSDN[Ala261=]IMLFSPDFTL